The following is an entry in ClinVar:

ClinVar aggregate classification (germline): Uncertain significance (1 of 4 stars; one submission).

Conditions:
STING-associated vasculopathy with onset in infancy. Also called: Sting-associated vasculopathy, infantile-onset. Identifiers: Orphanet 425120, MedGen C4014722, MONDO:0014405, OMIM 615934.

Submission:

Labcorp Genetics (formerly Invitae), Labcorp
Classification: Uncertain significance for STING-associated vasculopathy with onset in infancy. Last evaluated: 2025-08-11. Review status: criteria provided, single submitter. Criteria: Invitae Variant Classification Sherloc (09022015). Collection method: clinical testing. Allele origin: germline.
Comment: This sequence change creates a premature translational stop signal (p.Val343Cysfs*14) in the TMEM173 gene. While this is not anticipated to result in nonsense mediated decay, it is expected to disrupt the last 37 amino acid(s) of the TMEM173 protein. This variant is not present in population databases (gnomAD no frequency). This variant has not been reported in the literature in individuals affected with TMEM173-related conditions. Experimental studies and prediction algorithms are not available or were not evaluated, and the functional significance of this variant is currently unknown. In summary, the available evidence is currently insufficient to determine the role of this variant in disease. Therefore, it has been classified as a Variant of Uncertain Significance.

NM_198282.4(STING1):c.997_1025dup (p.Val343fs)

Gene: STING1 (stimulator of interferon response cGAMP interactor 1; minus strand). Cytogenetic location: 5q31.2.
Variant type: Duplication.
Coding change: c.997_1025dup on transcript NM_198282.4 (MANE Select); coding-DNA positions 997 to 1025, 29 bases duplicated (CTGCGGCAGGAGGAAAAGGAAGAGGTTAC).
Protein change: p.Val343fs; shifts the reading frame from valine 343.
Molecular consequence: frameshift variant.
Genome position (GRCh38, 1-based): chr5:139,476,376-139,476,404, GTAACCTCTTCCTTTTCCTCCTGCCGCAG duplicated on the plus strand (CTGCGGCAGGAGGAAAAGGAAGAGGTTAC on the coding strand, the reverse complement: STING1 is on the minus strand); duplicating any 29 consecutive bases within chr5:139,476,376-139,476,406 gives the same sequence; the c. name uses the placement nearest the transcript's 3' end. VCF-style (leftmost placement, unchanged base first): chr5-139476375-A-AGTAACCTCTTCCTTTTCCTCCTGCCGCAG. GRCh37 (hg19) VCF-style: chr5-138855960-A-AGTAACCTCTTCCTTTTCCTCCTGCCGCAG.
Other names: c.810_838dup, p.Leu280fs (NM_001301738.2); c.640_668dup, p.Val224fs (NM_001367258.1); short protein forms L280fs, V224fs, V343fs.
Identifiers: ClinVar variation 4699853 (VCV004699853.1).